The following is an entry in ClinVar:

NM_052854.4(CREB3L1):c.1462A>G (p.Lys488Glu)

Gene: CREB3L1 (cAMP responsive element binding protein 3 like 1; plus strand). Cytogenetic location: 11p11.2.
Variant type: single nucleotide variant.
Coding change: c.1462A>G on transcript NM_052854.4 (MANE Select); coding-DNA position 1462, A replaced by G.
Protein change: p.Lys488Glu; replaces lysine 488 with glutamic acid.
Molecular consequence: missense variant.
Genome position (GRCh38, 1-based): chr11:46,320,467, A>G. VCF-style: chr11-46320467-A-G. GRCh37 (hg19) VCF-style: chr11-46342018-A-G.
Other names: short protein forms K488E.
Identifiers: ClinVar variation 1412822 (VCV001412822.4), dbSNP rs533479997, ClinGen allele CA5961885.

ClinVar aggregate classification (germline): Uncertain significance (1 of 4 stars; one submission).

Allele frequency attached by ClinVar (database versions not stated): gnomAD exomes below 0.00001 and 0.00001; TOPMed below 0.00001; ExAC 0.00001; gnomAD 0.00001; 1000 Genomes Project 30x 0.00016; 1000 Genomes Project 0.00020.
gnomAD v4.1: 2 of 1,603,468 alleles (0.00012%); highest among the groups gnomAD compares: Admixed American, 0.0034%; no homozygotes.

Submission:

Labcorp Genetics (formerly Invitae), Labcorp
Classification: Uncertain significance. Last evaluated: 2021-08-22. Review status: criteria provided, single submitter. Criteria: Invitae Variant Classification Sherloc (09022015). Collection method: clinical testing. Allele origin: germline.
Comment: Algorithms developed to predict the effect of missense changes on protein structure and function output the following: SIFT: "Tolerated"; PolyPhen-2: "Benign"; Align-GVGD: "Class C0". The glutamic acid amino acid residue is found in multiple mammalian species, which suggests that this missense change does not adversely affect protein function. This sequence change replaces lysine with glutamic acid at codon 488 of the CREB3L1 protein (p.Lys488Glu). The lysine residue is weakly conserved and there is a small physicochemical difference between lysine and glutamic acid. This variant is present in population databases (rs533479997, ExAC 0.02%). This variant has not been reported in the literature in individuals affected with CREB3L1-related conditions. In summary, the available evidence is currently insufficient to determine the role of this variant in disease. Therefore, it has been classified as a Variant of Uncertain Significance.